The following is an entry in ClinVar:

ClinVar aggregate classification (germline): Conflicting classifications of pathogenicity. Review status: criteria provided, conflicting classifications (1 of 4 stars). 9 submissions from 5 submitters: Uncertain significance (5); Benign (2); Likely benign (2). Last evaluated 2025-04-09.

Conditions:
Early-onset myopathy with fatal cardiomyopathy (CMYO5). Also called: CONGENITAL MYOPATHY 5 WITH CARDIOMYOPATHY; Salih Myopathy. Identifiers: Orphanet 289377, MedGen C2673677, MONDO:0012714, OMIM 611705. Disease mechanism: loss of function.
Autosomal recessive limb-girdle muscular dystrophy type 2J (LGMDR10). Also called: Limb-girdle muscular dystrophy, type 2J; MUSCULAR DYSTROPHY, LIMB-GIRDLE, AUTOSOMAL RECESSIVE 10. Identifiers: Orphanet 140922, MedGen C1837342, MONDO:0012127, OMIM 608807.
Myopathy, myofibrillar, 9, with early respiratory failure (MFM9). Also called: EDSTROM MYOPATHY; MYOPATHY, PROXIMAL, WITH EARLY RESPIRATORY MUSCLE INVOLVEMENT; Myopathy, distal, with early respiratory failure, autosomal dominant; Hereditary myopathy with early respiratory failure. Identifiers: Orphanet 178464, Orphanet 34521, MedGen C1863599, MONDO:0011362, OMIM 603689.
Tibial muscular dystrophy (TMD). Also called: Tibial muscular dystrophy, tardive; UDD MYOPATHY; Udd Distal Myopathy – Tibial Muscular Dystrophy. Identifiers: Orphanet 609, MedGen C1838244, MONDO:0010870, OMIM 600334.
Dilated cardiomyopathy 1G (CMD1G). Identifiers: Orphanet 154, MedGen C1858763, MONDO:0011400, OMIM 604145.

Allele frequency attached by ClinVar (database versions not stated): ExAC 0.00002; gnomAD exomes 0.00002 and 0.00008; TOPMed 0.00003; gnomAD 0.00004.
gnomAD v4.1: 117 of 1,613,926 alleles (0.0072%); highest among the groups gnomAD compares: Non-Finnish European, 0.0094%; no homozygotes.

Submissions (9):

Molecular Diagnostic Laboratory for Inherited Cardiovascular Disease, Montreal Heart Institute
Classification: Likely benign. Last evaluated: 2025-04-09. Review status: criteria provided, single submitter. Criteria: ACMG Guidelines, 2015. Collection method: clinical testing. Allele origin: germline. Affected: no.

Revvity Omics, Revvity
Classification: Uncertain significance. Last evaluated: 2024-11-26. Review status: criteria provided, single submitter. Criteria: ACMG Guidelines, 2015. Collection method: clinical testing. Allele origin: germline.

Mayo Clinic Laboratories, Mayo Clinic
Classification: Uncertain significance. Last evaluated: 2024-03-12. Review status: criteria provided, single submitter. Criteria: ACMG Guidelines, 2015. Collection method: clinical testing. Allele origin: germline. Observed: 1 variant allele.

GeneDx
Classification: Likely benign. Last evaluated: 2018-10-31. Review status: criteria provided, single submitter. Criteria: GeneDx Variant Classification Process June 2021. Collection method: clinical testing. Allele origin: germline. Affected: yes.
Comment: See Variant Classification Assertion Criteria.

Illumina Laboratory Services, Illumina
Classification: Uncertain significance for Autosomal recessive limb-girdle muscular dystrophy type 2J. Last evaluated: 2018-03-16. Review status: criteria provided, single submitter. Criteria: ICSL Variant Classification Criteria 13 December 2019. Collection method: clinical testing. Allele origin: germline.

Illumina Laboratory Services, Illumina
Classification: Uncertain significance for Dilated cardiomyopathy 1G. Last evaluated: 2018-03-16. Review status: criteria provided, single submitter. Criteria: ICSL Variant Classification Criteria 13 December 2019. Collection method: clinical testing. Allele origin: germline.

Illumina Laboratory Services, Illumina
Classification: Uncertain significance for Early-onset myopathy with fatal cardiomyopathy. Last evaluated: 2018-03-16. Review status: criteria provided, single submitter. Criteria: ICSL Variant Classification Criteria 13 December 2019. Collection method: clinical testing. Allele origin: germline.

Illumina Laboratory Services, Illumina
Classification: Benign for Myopathy, myofibrillar, 9, with early respiratory failure. Last evaluated: 2018-03-14. Review status: criteria provided, single submitter. Criteria: ICSL Variant Classification Criteria 13 December 2019. Collection method: clinical testing. Allele origin: germline.
Comment: This variant was observed in the ICSL laboratory as part of a predisposition screen in an ostensibly healthy population. It had not been previously curated by ICSL or reported in the Human Gene Mutation Database (HGMD: prior to June 1st, 2018), and was therefore a candidate for classification through an automated scoring system. Utilizing variant allele frequency, disease prevalence and penetrance estimates, and inheritance mode, an automated score was calculated to assess if this variant is too frequent to cause the disease. Based on the score and internal cut-off values, a variant classified as benign is not then subjected to further curation. The score for this variant resulted in a classification of benign for this disease.

Illumina Laboratory Services, Illumina
Classification: Benign for Tibial muscular dystrophy. Last evaluated: 2018-03-14. Review status: criteria provided, single submitter. Criteria: ICSL Variant Classification Criteria 13 December 2019. Collection method: clinical testing. Allele origin: germline.
Comment: the same text as in the submission from Illumina Laboratory Services, Illumina above.

Literature cited by the submitters: PubMed 31983221 (cited by Mayo Clinic Laboratories, Mayo Clinic).

NM_001267550.2(TTN):c.4087A>G (p.Thr1363Ala)

Genes: TTN (titin; minus strand), LOC101927055 (uncharacterized LOC101927055; plus strand). Cytogenetic location: 2q31.2.
Variant type: single nucleotide variant.
Coding change: c.4087A>G on transcript NM_001267550.2 (MANE Select); coding-DNA position 4087, A replaced by G.
Protein change: p.Thr1363Ala; replaces threonine 1363 with alanine.
Molecular consequence: missense variant.
Genome position (GRCh38, 1-based): chr2:178,778,995, T>C on the plus strand (A>G on the coding strand, the complement: TTN is on the minus strand). VCF-style: chr2-178778995-T-C. GRCh37 (hg19) VCF-style: chr2-179643722-T-C.
Other names: p.Thr1363Ala; c.4087A>G, p.Thr1363Ala (NM_133378.4, NM_001256850.1, NM_133379.5); c.4087A>G (NM_001267550.1); c.3949A>G, p.Thr1317Ala (NM_003319.4, NM_133432.3, NM_133437.4); short protein forms T1363A, T1317A.
Identifiers: ClinVar variation 892791 (VCV000892791.8), dbSNP rs768249663, ClinGen allele CA2005408.
Genomic context (GRCh38, chr2:178,778,995, plus strand): 5'-GCTCCACATACAATTTCCCTGAGCAAATTGCATTTCCTTTAATATTGCTGGCAAATGCAG[T>C]GTAGATTCCTTCATCTTCTGGAAGAACAACAGGTATACGCAGACTAGCTCTGCCATCTTG-3'
Protein context (NP_001254479.2, residues 1353-1373): VVLPEDEGIY[Thr1363Ala]AFASNIKGNA